The following is an entry in ClinVar:

ClinVar aggregate classification (germline): Uncertain significance (1 of 4 stars; one submission).

Submission:

Ambry Genetics
Classification: Uncertain significance. Last evaluated: 2025-10-27. Review status: criteria provided, single submitter. Criteria: Ambry Variant Classification Scheme 2023. Collection method: clinical testing. Allele origin: germline.
Comment: The p.S1337A variant (also known as c.4009T>G), located in coding exon 18 of the WNK2 gene, results from a T to G substitution at nucleotide position 4009. The serine at codon 1337 is replaced by alanine, an amino acid with similar properties. This amino acid position is conserved. In addition, this alteration is predicted to be tolerated by in silico analysis. Based on the available evidence, the clinical significance of this variant remains unclear.

NM_006648.4(WNK2):c.4009T>G (p.Ser1337Ala)

Gene: WNK2 (WNK lysine deficient protein kinase 2; plus strand). Cytogenetic location: 9q22.31.
Variant type: single nucleotide variant.
Coding change: c.4009T>G on transcript NM_006648.4 (MANE Select); coding-DNA position 4009, T replaced by G.
Protein change: p.Ser1337Ala; replaces serine 1337 with alanine.
Molecular consequence: missense variant.
Genome position (GRCh38, 1-based): chr9:93,268,722, T>G. VCF-style: chr9-93268722-T-G. GRCh37 (hg19) VCF-style: chr9-96031004-T-G.
Other names: c.4009T>G, p.Ser1337Ala (NM_001282394.3); short protein forms S1337A.
Identifiers: ClinVar variation 4605311 (VCV004605311.1).
Genomic context (GRCh38, chr9:93,268,722, plus strand): 5'-CCGGTGGCTGAGCACCCCGCCCCCGAGGCCCCTGAATCTTCGCCCCCACTTCCTCTAAGC[T>G]CCCTGCCGCCAGAAGCCAGCCAAGGTATGAGCAGCAGGCGCCCACACAAGCCCCTCCCTG-3'
Protein context (NP_006639.3, residues 1327-1347): PESSPPLPLS[Ser1337Ala]LPPEASQDSA